The following is an entry in ClinVar:

NM_021784.5(FOXA2):c.309C>T (p.Ala103=)

Gene: FOXA2 (forkhead box A2; minus strand). Cytogenetic location: 20p11.21.
Variant type: single nucleotide variant.
Coding change: c.309C>T on transcript NM_021784.5 (MANE Select); coding-DNA position 309, C replaced by T.
Protein change: p.Ala103=; no amino-acid change (alanine 103 retained).
Molecular consequence: synonymous variant.
Genome position (GRCh38, 1-based): chr20:22,582,933, G>A on the plus strand (C>T on the coding strand, the complement: FOXA2 is on the minus strand). VCF-style: chr20-22582933-G-A. GRCh37 (hg19) VCF-style: chr20-22563571-G-A.
Other names: c.309C>T (NM_021784.4); c.291C>T, p.Ala97= (NM_153675.3).
Identifiers: ClinVar variation 1569424 (VCV001569424.11), dbSNP rs1800847, ClinGen allele CA9787061.

ClinVar aggregate classification (germline): Benign. Review status: criteria provided, multiple submitters, no conflicts (2 of 4 stars). 3 submissions from 3 submitters: Benign (2). 1 of the submissions does not count toward it. Last evaluated 2026-02-02.

Conditions:
FOXA2-related disorder. Also called: FOXA2-related condition.

Allele frequency attached by ClinVar (database versions not stated): gnomAD exomes 0.07118; TOPMed 0.08490; ExAC 0.10080; 1000 Genomes Project 30x 0.11758; 1000 Genomes Project 0.12141.

Submissions (3):

Labcorp Genetics (formerly Invitae), Labcorp
Classification: Benign. Last evaluated: 2026-02-02. Review status: criteria provided, single submitter. Criteria: Invitae Variant Classification Sherloc (09022015). Collection method: clinical testing. Allele origin: germline.

Breakthrough Genomics
Classification: Benign. Review status: criteria provided, single submitter. Criteria: ACMG Guidelines, 2015. Collection method: not provided. Allele origin: germline. Inheritance: Unknown mechanism. Affected: yes.

PreventionGenetics, part of Exact Sciences
Classification: Benign for FOXA2-related condition. Last evaluated: 2019-09-17. Review status: no assertion criteria provided. Collection method: clinical testing. Allele origin: germline. Not counted in ClinVar's aggregate classification.
Comment: This variant is classified as benign based on ACMG/AMP sequence variant interpretation guidelines (Richards et al. 2015 PMID: 25741868, with internal and published modifications).